The following is an entry in ClinVar:

ClinVar aggregate classification (germline): Uncertain significance (1 of 4 stars; one submission).

Conditions:
Generalized epilepsy-paroxysmal dyskinesia syndrome (PNKD3). Also called: Generalized epilepsy and paroxysmal dyskinesia; Paroxysmal nonkinesigenic dyskinesia, 3, with or without generalized epilepsy. Identifiers: Orphanet 79137, MedGen C5574945, MONDO:0012276, OMIM 609446.

Submission:

Labcorp Genetics (formerly Invitae), Labcorp
Classification: Uncertain significance for Generalized epilepsy-paroxysmal dyskinesia syndrome. Last evaluated: 2022-09-22. Review status: criteria provided, single submitter. Criteria: Invitae Variant Classification Sherloc (09022015). Collection method: clinical testing. Allele origin: germline.
Comment: This variant, c.31_51dup, results in the insertion of 7 amino acid(s) of the KCNMA1 protein (p.Ser11_Gly17dup), but otherwise preserves the integrity of the reading frame. This variant is not present in population databases (gnomAD no frequency). This variant has not been reported in the literature in individuals affected with KCNMA1-related conditions. ClinVar contains an entry for this variant (Variation ID: 1485982). Experimental studies and prediction algorithms are not available or were not evaluated, and the functional significance of this variant is currently unknown. In summary, the available evidence is currently insufficient to determine the role of this variant in disease. Therefore, it has been classified as a Variant of Uncertain Significance.

NM_001161352.2(KCNMA1):c.31_51dup (p.Ser11_Gly17dup)

Gene: KCNMA1 (potassium calcium-activated channel subfamily M alpha 1; minus strand). Cytogenetic location: 10q22.3.
Variant type: Duplication.
Coding change: c.31_51dup on transcript NM_001161352.2 (MANE Select); coding-DNA positions 31 to 51, 21 bases duplicated (AGCAGCGGCGGCGGCGGCGGC).
Protein change: p.Ser11_Gly17dup.
Molecular consequence: inframe insertion.
Genome position (GRCh38, 1-based): chr10:77,637,592-77,637,612, GCCGCCGCCGCCGCCGCTGCT duplicated on the plus strand (AGCAGCGGCGGCGGCGGCGGC on the coding strand, the reverse complement: KCNMA1 is on the minus strand); duplicating any 21 consecutive bases within chr10:77,637,592-77,637,629 gives the same sequence; the c. name uses the placement nearest the transcript's 3' end. VCF-style (leftmost placement, unchanged base first): chr10-77637591-C-CGCCGCCGCCGCCGCCGCTGCT. GRCh37 (hg19) VCF-style: chr10-79397349-C-CGCCGCCGCCGCCGCCGCTGCT.
Other names: c.31_51dup, p.Ser11_Gly17dup (NM_001014797.3, NM_001161353.2, NM_001271518.2 and 12 more transcripts).
Identifiers: ClinVar variation 1485982 (VCV001485982.8), dbSNP rs1484259264, ClinGen allele CA930199244.